The following is an entry in ClinVar:

NM_006468.8(POLR3C):c.429A>C (p.Glu143Asp)

Gene: POLR3C (RNA polymerase III subunit C; plus strand). Cytogenetic location: 1q21.1.
Variant type: single nucleotide variant.
Coding change: c.429A>C on transcript NM_006468.8 (MANE Select); coding-DNA position 429, A replaced by C.
Protein change: p.Glu143Asp; replaces glutamic acid 143 with aspartic acid.
Molecular consequence: missense variant.
Genome position (GRCh38, 1-based): chr1:145,826,845, A>C. VCF-style: chr1-145826845-A-C. GRCh37 (hg19) VCF-style: chr1-145608268-T-G.
Other names: c.468A>C, p.Glu156Asp (NM_001303456.1); short protein forms E143D, E156D.
Identifiers: ClinVar variation 3346452 (VCV003346452.1).
Genomic context (GRCh38, chr1:145,826,845, plus strand): 5'-GCCATCTCATCTGCCTTTTTCCTCCTGTTATACAGATGGCAAGACCATGGACTATGCTGA[A>C]GTATCAAACACATTTGTGCGACTGGCAGACACACACTTTGTACAACGCTGCCCTTCGGTA-3'
Protein context (NP_006459.3, residues 133-153): MEDGKTMDYA[Glu143Asp]VSNTFVRLAD

ClinVar aggregate classification (germline): Likely benign (0 of 4 stars; one submission).

Conditions:
POLR3C-related disorder. Also called: POLR3C-related condition.

gnomAD v4.1: 1 of 1,611,320 alleles (0.000062%); highest among the groups gnomAD compares: Non-Finnish European, 0.000085%; no homozygotes.

Submission:

PreventionGenetics, part of Exact Sciences
Classification: Likely benign for POLR3C-related condition. Last evaluated: 2024-04-30. Review status: no assertion criteria provided. Collection method: clinical testing. Allele origin: germline.
Comment: This variant is classified as likely benign based on ACMG/AMP sequence variant interpretation guidelines (Richards et al. 2015 PMID: 25741868, with internal and published modifications).